The following is an entry in ClinVar:

ClinVar aggregate classification (germline): Pathogenic. Review status: criteria provided, single submitter (1 of 4 stars). 2 submissions from 2 submitters: Pathogenic (1). 1 of the submissions does not count toward it. Last evaluated 2023-10-03.

Conditions:
Retinitis pigmentosa 90. Identifiers: MedGen C5436588, MONDO:0033563, OMIM 619007.

Allele frequency attached by ClinVar (database versions not stated): TOPMed below 0.00001; ExAC 0.00001; gnomAD 0.00001; gnomAD exomes 0.00001 and 0.00002.

Submissions (2):

Labcorp Genetics (formerly Invitae), Labcorp
Classification: Pathogenic. Last evaluated: 2023-10-03. Review status: criteria provided, single submitter. Criteria: Invitae Variant Classification Sherloc (09022015). Collection method: clinical testing. Allele origin: germline.
Comment: This sequence change replaces arginine, which is basic and polar, with cysteine, which is neutral and slightly polar, at codon 316 of the IDH3A protein (p.Arg316Cys). This variant is present in population databases (rs770798851, gnomAD 0.003%). This missense change has been observed in individual(s) with retinitis pigmentosa (PMID: 28412069; Invitae). In at least one individual the data is consistent with being in trans (on the opposite chromosome) from a pathogenic variant. It has also been observed to segregate with disease in related individuals. ClinVar contains an entry for this variant (Variation ID: 977472). Advanced modeling of protein sequence and biophysical properties (such as structural, functional, and spatial information, amino acid conservation, physicochemical variation, residue mobility, and thermodynamic stability) performed at Invitae indicates that this missense variant is expected to disrupt IDH3A protein function. For these reasons, this variant has been classified as Pathogenic.

OMIM
Classification: Pathogenic for RETINITIS PIGMENTOSA 90. Last evaluated: 2020-09-02. Review status: no assertion criteria provided. Collection method: literature only. Allele origin: germline. Not counted in ClinVar's aggregate classification.

Literature cited by the submitters: PubMed 28412069 (cited by Labcorp Genetics (formerly Invitae), Labcorp and OMIM).

NM_005530.3(IDH3A):c.946C>T (p.Arg316Cys)

Gene: IDH3A (isocitrate dehydrogenase (NAD(+)) 3 catalytic subunit alpha; plus strand). Cytogenetic location: 15q25.1.
Variant type: single nucleotide variant.
Coding change: c.946C>T on transcript NM_005530.3 (MANE Select); coding-DNA position 946, C replaced by T.
Protein change: p.Arg316Cys; replaces arginine 316 with cysteine.
Molecular consequence: missense variant.
Genome position (GRCh38, 1-based): chr15:78,166,231, C>T. VCF-style: chr15-78166231-C-T. GRCh37 (hg19) VCF-style: chr15-78458573-C-T.
Other names: IDH3A, ARG316CYS (rs770798851); short protein forms R316C.
Identifiers: ClinVar variation 977472 (VCV000977472.10), dbSNP rs770798851, ClinGen allele CA7680726.